The following is an entry in ClinVar:

NM_000260.4(MYO7A):c.470+6C>A

Gene: MYO7A (myosin VIIA; plus strand). Cytogenetic location: 11q13.5.
Variant type: single nucleotide variant.
Coding change: c.470+6C>A on transcript NM_000260.4 (MANE Select); 6 bases into the intron after coding-DNA position 470, C replaced by A.
Molecular consequence: intron variant.
Genome position (GRCh38, 1-based): chr11:77,156,097, C>A. VCF-style: chr11-77156097-C-A. GRCh37 (hg19) VCF-style: chr11-76867143-C-A.
Other names: c.437+6C>A (NM_001369365.1); c.470+6C>A (NM_001127180.2).
Identifiers: ClinVar variation 515560 (VCV000515560.8), dbSNP rs370905994, ClinGen allele CA6197137.

ClinVar aggregate classification (germline): Conflicting classifications of pathogenicity. Review status: criteria provided, conflicting classifications (1 of 4 stars). 2 submissions from 2 submitters: Uncertain significance (1); Likely benign (1). Last evaluated 2025-10-26.

Allele frequency attached by ClinVar (database versions not stated): TOPMed 0.00009; ESP Exome Variant Server 0.00024.
gnomAD v4.1: 21 of 1,613,050 alleles (0.0013%); highest among the groups gnomAD compares: African/African-American, 0.025%; no homozygotes.

Submissions (2):

Labcorp Genetics (formerly Invitae), Labcorp
Classification: Uncertain significance. Last evaluated: 2025-10-26. Review status: criteria provided, single submitter. Criteria: Invitae Variant Classification Sherloc (09022015). Collection method: clinical testing. Allele origin: germline.
Comment: This sequence change falls in intron 5 of the MYO7A gene. It does not directly change the encoded amino acid sequence of the MYO7A protein. It affects a nucleotide within the consensus splice site. This variant is present in population databases (rs370905994, gnomAD 0.03%). This variant has not been reported in the literature in individuals affected with MYO7A-related conditions. ClinVar contains an entry for this variant (Variation ID: 515560). Variants that disrupt the consensus splice site are a relatively common cause of aberrant splicing (PMID: 17576681, 9536098). Algorithms developed to predict the effect of sequence changes on RNA splicing suggest that this variant is not likely to affect RNA splicing. In summary, the available evidence is currently insufficient to determine the role of this variant in disease. Therefore, it has been classified as a Variant of Uncertain Significance.

GeneDx
Classification: Likely benign. Last evaluated: 2018-02-23. Review status: criteria provided, single submitter. Criteria: GeneDx Variant Classification (06012015). Collection method: clinical testing. Allele origin: germline. Affected: yes.
Comment: This variant is considered likely benign or benign based on one or more of the following criteria: it is a conservative change, it occurs at a poorly conserved position in the protein, it is predicted to be benign by multiple in silico algorithms, and/or has population frequency not consistent with disease.

Literature cited by the submitters: PubMed 17576681 (cited by Labcorp Genetics (formerly Invitae), Labcorp); PubMed 9536098 (cited by Labcorp Genetics (formerly Invitae), Labcorp).